The following is an entry in ClinVar:

NM_005751.5(AKAP9):c.3631G>T (p.Gly1211Cys)

Gene: AKAP9 (A-kinase anchoring protein 9; plus strand). Cytogenetic location: 7q21.2.
Variant type: single nucleotide variant.
Coding change: c.3631G>T on transcript NM_005751.5 (MANE Select); coding-DNA position 3631, G replaced by T.
Protein change: p.Gly1211Cys; replaces glycine 1211 with cysteine.
Molecular consequence: missense variant.
Genome position (GRCh38, 1-based): chr7:92,016,147, G>T. VCF-style: chr7-92016147-G-T. GRCh37 (hg19) VCF-style: chr7-91645461-G-T.
Other names: c.3631G>T, p.Gly1211Cys (NM_147185.3); short protein forms G1211C.
Identifiers: ClinVar variation 856391 (VCV000856391.12), dbSNP rs746335356, ClinGen allele CA161885381.
Genomic context (GRCh38, chr7:92,016,147, plus strand): 5'-AAAATTTAAATTCCTTAAAATACACAATTTTGTTGTTAACAGACTTTATGCAGTGTCCTT[G>T]GTGAATATTATACTCCTGCTTTAAAATGTGAAGTAAATGCAGAAGACAAAGAGAATTCTG-3'
Protein context (NP_005742.4, residues 1201-1221): YFLQTLCSVL[Gly1211Cys]EYYTPALKCE

ClinVar aggregate classification (germline): Uncertain significance. Review status: criteria provided, multiple submitters, no conflicts (2 of 4 stars). 2 submissions from 2 submitters: Uncertain significance (2). Last evaluated 2025-06-22.

Conditions:
Cardiovascular phenotype. Identifiers: MedGen CN230736.
Long QT syndrome (LQTS). Identifiers: MedGen C0023976, MeSH D008133, MONDO:0002442. Disease mechanism: loss of function. Inheritance: Various modes of inheritance.

Allele frequency attached by ClinVar (database versions not stated): gnomAD exomes below 0.00001.
gnomAD v4.1: 2 of 1,603,920 alleles (0.00012%); highest among the groups gnomAD compares: Non-Finnish European, 0.00017%; no homozygotes.

Submissions (2):

Ambry Genetics
Classification: Uncertain significance for Cardiovascular phenotype. Last evaluated: 2025-06-22. Review status: criteria provided, single submitter. Criteria: Ambry Variant Classification Scheme 2023. Collection method: clinical testing. Allele origin: germline.
Comment: The p.G1211C variant (also known as c.3631G>T), located in coding exon 11 of the AKAP9 gene, results from a G to T substitution at nucleotide position 3631. The glycine at codon 1211 is replaced by cysteine, an amino acid with highly dissimilar properties. This amino acid position is not well conserved in available vertebrate species. In addition, this alteration is predicted to be tolerated by in silico analysis. Since supporting evidence is limited at this time, the clinical significance of this alteration remains unclear.

Labcorp Genetics (formerly Invitae), Labcorp
Classification: Uncertain significance for Long QT syndrome. Last evaluated: 2019-12-21. Review status: criteria provided, single submitter. Criteria: Invitae Variant Classification Sherloc (09022015). Collection method: clinical testing. Allele origin: germline.
Comment: In summary, the available evidence is currently insufficient to determine the role of this variant in disease. Therefore, it has been classified as a Variant of Uncertain Significance. Algorithms developed to predict the effect of missense changes on protein structure and function are either unavailable or do not agree on the potential impact of this missense change (SIFT: "Deleterious"; PolyPhen-2: "Possibly Damaging"; Align-GVGD: "Class C0"). This variant has not been reported in the literature in individuals with AKAP9-related conditions. This variant is not present in population databases (ExAC no frequency). This sequence change replaces glycine with cysteine at codon 1211 of the AKAP9 protein (p.Gly1211Cys). The glycine residue is weakly conserved and there is a large physicochemical difference between glycine and cysteine.